The following is an entry in ClinVar:

NM_001291415.2(KDM6A):c.565-13T>A

Gene: KDM6A (lysine demethylase 6A; plus strand). Cytogenetic location: Xp11.3.
Variant type: single nucleotide variant.
Coding change: c.565-13T>A on transcript NM_001291415.2 (MANE Select); 13 bases into the intron before coding-DNA position 565, T replaced by A.
Molecular consequence: intron variant.
Genome position (GRCh38, 1-based): chrX:45,034,918, T>A. VCF-style: chrX-45034918-T-A. GRCh37 (hg19) VCF-style: chrX-44894163-T-A.
Other names: c.565-13T>A (NM_001419809.1, NM_001419810.1, NM_001419813.1 and 9 more transcripts); c.-189-13T>A (NM_001291421.2).
Identifiers: ClinVar variation 4751489 (VCV004751489.2).
Genomic context (GRCh38, chrX:45,034,918, plus strand): 5'-CTGAAAAGTATCTTAAGATGCTTTTGTGTGACTCTAAATTGACTGCATTAATTTTCTCAC[T>A]CTCGTCTTGCAGCATTTTCAGTTAGCTTTGGTTGACTGTAATCCCTGCACTTTGTCCAAT-3'

ClinVar aggregate classification (germline): Uncertain significance. Review status: criteria provided, multiple submitters, no conflicts (2 of 4 stars). 2 submissions from 2 submitters: Uncertain significance (2). Last evaluated 2026-06-10.

Conditions:
Kabuki syndrome 2 (KABUK2). Also called: KDM6A-Related Kabuki Syndrome. Identifiers: Orphanet 2322, MedGen C3275495, MONDO:0010465, OMIM 300867.

Submissions (2):

Women's Health and Genetics/Laboratory Corporation of America, LabCorp
Classification: Uncertain significance. Last evaluated: 2026-06-10. Review status: criteria provided, single submitter. Criteria: LabCorp Variant Classification Summary - May 2015. Collection method: clinical testing. Allele origin: germline.
Comment: Variant summary: KDM6A c.565-13T>A alters a nucleotide located at a position not widely known to affect splicing. Several computational tools predict a significant impact on normal splicing: Two predict the variant weakens a 3' acceptor site. However, these predictions have yet to be confirmed by functional studies. The variant was absent in 183378 control chromosomes. The available data on variant occurrences in the general population are insufficient to allow any conclusion about variant significance. To our knowledge, no occurrence of c.565-13T>A in individuals affected with KDM6A-related conditions and no experimental evidence demonstrating its impact on protein function have been reported. ClinVar contains an entry for this variant (Variation ID: 4751489). Based on the evidence outlined above, the variant was classified as uncertain significance.

Labcorp Genetics (formerly Invitae), Labcorp
Classification: Uncertain significance for Kabuki syndrome 2. Last evaluated: 2025-04-27. Review status: criteria provided, single submitter. Criteria: Invitae Variant Classification Sherloc (09022015). Collection method: clinical testing. Allele origin: germline.
Comment: This sequence change falls in intron 6 of the KDM6A gene. It does not directly change the encoded amino acid sequence of the KDM6A protein. This variant is not present in population databases (gnomAD no frequency). This variant has not been reported in the literature in individuals affected with KDM6A-related conditions. Algorithms developed to predict the effect of sequence changes on RNA splicing suggest that this variant may disrupt the consensus splice site. In summary, the available evidence is currently insufficient to determine the role of this variant in disease. Therefore, it has been classified as a Variant of Uncertain Significance.

Literature cited by the submitters: PubMed 25225064 (cited by Women's Health and Genetics/Laboratory Corporation of America, LabCorp); PubMed 21828135 (cited by Women's Health and Genetics/Laboratory Corporation of America, LabCorp); PubMed 22377896 (cited by Women's Health and Genetics/Laboratory Corporation of America, LabCorp); PubMed 29479066 (cited by Women's Health and Genetics/Laboratory Corporation of America, LabCorp); PubMed 27276561 (cited by Women's Health and Genetics/Laboratory Corporation of America, LabCorp).